The following is an entry in ClinVar:

NM_006904.7(PRKDC):c.10702A>T (p.Ile3568Phe)

Gene: PRKDC (protein kinase, DNA-activated, catalytic subunit; minus strand). Cytogenetic location: 8q11.21.
Variant type: single nucleotide variant.
Coding change: c.10702A>T on transcript NM_006904.7 (MANE Select); coding-DNA position 10702, A replaced by T.
Protein change: p.Ile3568Phe; replaces isoleucine 3568 with phenylalanine.
Molecular consequence: missense variant.
Genome position (GRCh38, 1-based): chr8:47,789,207, T>A on the plus strand (A>T on the coding strand, the complement: PRKDC is on the minus strand). VCF-style: chr8-47789207-T-A. GRCh37 (hg19) VCF-style: chr8-48701768-T-A.
Other names: c.10702A>T, p.Ile3568Phe (NM_001081640.2); short protein forms I3568F.
Identifiers: ClinVar variation 2090558 (VCV002090558.3), dbSNP rs2086843272, ClinGen allele CA371132455.

ClinVar aggregate classification (germline): Uncertain significance (1 of 4 stars; one submission).

Conditions:
Severe combined immunodeficiency due to DNA-PKcs deficiency. Also called: IMMUNODEFICIENCY 26 WITH NEUROLOGIC ABNORMALITIES; Immunodeficiency 26 with or without neurologic abnormalities. Identifiers: Orphanet 317425, MedGen C4014833, MONDO:0014423, OMIM 615966.

Allele frequency attached by ClinVar (database versions not stated): TOPMed below 0.00001.

Submission:

Labcorp Genetics (formerly Invitae), Labcorp
Classification: Uncertain significance for Severe combined immunodeficiency due to DNA-PKcs deficiency. Last evaluated: 2022-03-18. Review status: criteria provided, single submitter. Criteria: Invitae Variant Classification Sherloc (09022015). Collection method: clinical testing. Allele origin: germline.
Comment: This variant has not been reported in the literature in individuals affected with PRKDC-related conditions. This sequence change replaces isoleucine, which is neutral and non-polar, with phenylalanine, which is neutral and non-polar, at codon 3568 of the PRKDC protein (p.Ile3568Phe). This variant is not present in population databases (gnomAD no frequency). Experimental studies and prediction algorithms are not available or were not evaluated, and the functional significance of this variant is currently unknown. In summary, the available evidence is currently insufficient to determine the role of this variant in disease. Therefore, it has been classified as a Variant of Uncertain Significance.